The following is an entry in ClinVar:

NM_001012301.4(ARSI):c.374C>A (p.Pro125His)

Gene: ARSI (arylsulfatase family member I; minus strand). Cytogenetic location: 5q32.
Variant type: single nucleotide variant.
Coding change: c.374C>A on transcript NM_001012301.4 (MANE Select); coding-DNA position 374, C replaced by A.
Protein change: p.Pro125His; replaces proline 125 with histidine.
Molecular consequence: missense variant.
Genome position (GRCh38, 1-based): chr5:150,298,550, G>T on the plus strand (C>A on the coding strand, the complement: ARSI is on the minus strand). VCF-style: chr5-150298550-G-T. GRCh37 (hg19) VCF-style: chr5-149678113-G-T.
Other names: short protein forms P125H.
Identifiers: ClinVar variation 2037622 (VCV002037622.4), dbSNP rs1373896759, ClinGen allele CA361735140.

ClinVar aggregate classification (germline): Uncertain significance (1 of 4 stars; one submission).

Conditions:
Spastic paraplegia. Identifiers: MedGen C0037772, HP:0001258.

Allele frequency attached by ClinVar (database versions not stated): TOPMed 0.00001; gnomAD 0.00001.
gnomAD v4.1: 20 of 1,613,948 alleles (0.0012%); highest among the groups gnomAD compares: Non-Finnish European, 0.0017%; no homozygotes.

Submission:

Labcorp Genetics (formerly Invitae), Labcorp
Classification: Uncertain significance for Spastic paraplegia. Last evaluated: 2022-10-13. Review status: criteria provided, single submitter. Criteria: Invitae Variant Classification Sherloc (09022015). Collection method: clinical testing. Allele origin: germline.
Comment: This sequence change replaces proline, which is neutral and non-polar, with histidine, which is basic and polar, at codon 125 of the ARSI protein (p.Pro125His). This variant is not present in population databases (gnomAD no frequency). This variant has not been reported in the literature in individuals affected with ARSI-related conditions. Advanced modeling of protein sequence and biophysical properties (such as structural, functional, and spatial information, amino acid conservation, physicochemical variation, residue mobility, and thermodynamic stability) performed at Invitae indicates that this missense variant is expected to disrupt ARSI protein function. In summary, the available evidence is currently insufficient to determine the role of this variant in disease. Therefore, it has been classified as a Variant of Uncertain Significance.